The following is an entry in ClinVar:

ClinVar aggregate classification (germline): Uncertain significance (1 of 4 stars; one submission).

gnomAD v4.1: 1 of 1,613,186 alleles (0.000062%); highest among the groups gnomAD compares: Admixed American, 0.0017%; no homozygotes.

Submission:

Labcorp Genetics (formerly Invitae), Labcorp
Classification: Uncertain significance. Last evaluated: 2026-02-01. Review status: criteria provided, single submitter. Criteria: Invitae Variant Classification Sherloc (09022015). Collection method: clinical testing. Allele origin: germline.
Comment: This sequence change replaces alanine, which is neutral and non-polar, with proline, which is neutral and non-polar, at codon 1549 of the SPEG protein (p.Ala1549Pro). This variant is present in population databases (no rsID available, gnomAD 0.003%). This variant has not been reported in the literature in individuals affected with SPEG-related conditions. An algorithm developed to predict the effect of missense changes on protein structure and function outputs the following: PolyPhen-2: "Benign". The proline amino acid residue is found in multiple mammalian species, which suggests that this missense change does not adversely affect protein function. In summary, the available evidence is currently insufficient to determine the role of this variant in disease. Therefore, it has been classified as a Variant of Uncertain Significance.

NM_005876.5(SPEG):c.4645G>C (p.Ala1549Pro)

Gene: SPEG (striated muscle enriched protein kinase; plus strand). Cytogenetic location: 2q35.
Variant type: single nucleotide variant.
Coding change: c.4645G>C on transcript NM_005876.5 (MANE Select); coding-DNA position 4645, G replaced by C.
Protein change: p.Ala1549Pro; replaces alanine 1549 with proline.
Molecular consequence: missense variant.
Genome position (GRCh38, 1-based): chr2:219,477,361, G>C. VCF-style: chr2-219477361-G-C. GRCh37 (hg19) VCF-style: chr2-220342083-G-C.
Other names: short protein forms A1549P.
Identifiers: ClinVar variation 4695078 (VCV004695078.1).